The following is an entry in ClinVar:

ClinVar aggregate classification (germline): Conflicting classifications of pathogenicity. Review status: criteria provided, conflicting classifications (1 of 4 stars). 4 submissions from 4 submitters: Uncertain significance (2); Likely benign (2). Last evaluated 2024-12-03.

Conditions:
Inborn genetic diseases. Identifiers: MedGen C0950123, MeSH D030342.
Neurodevelopmental disorder with hypotonia, stereotypic hand movements, and impaired language. Also called: Intellectual disability, autosomal dominant 20. Identifiers: Orphanet 228384, Orphanet 664410, MedGen C3150700, MONDO:0013266, OMIM 613443.

Allele frequency attached by ClinVar (database versions not stated): gnomAD 0.00004 and 0.00005; TOPMed 0.00009.
gnomAD v4.1: 14 of 1,498,164 alleles (0.00093%); highest among the groups gnomAD compares: African/African-American, 0.017%; no homozygotes.

Submissions (4):

Labcorp Genetics (formerly Invitae), Labcorp
Classification: Likely benign for Neurodevelopmental disorder with hypotonia, stereotypic hand movements, and impaired language. Last evaluated: 2024-12-03. Review status: criteria provided, single submitter. Criteria: Invitae Variant Classification Sherloc (09022015). Collection method: clinical testing. Allele origin: germline.

Ambry Genetics
Classification: Likely benign for Inborn genetic diseases. Last evaluated: 2024-11-26. Review status: criteria provided, single submitter. Criteria: Ambry Variant Classification Scheme 2023. Collection method: clinical testing. Allele origin: germline.

Genetic Services Laboratory, University of Chicago
Classification: Uncertain significance. Last evaluated: 2015-10-15. Review status: criteria provided, single submitter. Criteria: ACMG Guidelines, 2015. Collection method: clinical testing. Allele origin: germline. Affected: no.

GeneDx
Classification: Uncertain significance. Last evaluated: 2014-03-25. Review status: criteria provided, single submitter. Criteria: GeneDx Variant Classification (06012015). Collection method: clinical testing. Allele origin: germline. Affected: yes.
Comment: p.Ser327Thr (AGT>ACT): c.980 G>C in exon 10 of the MEF2C gene (NM_002397.3) A variant of unknown significance has been identified in the MEF2C gene. The S327T variant has not been published as a mutation, nor has it been reported as a benign polymorphism to our knowledge. It was not observed in approximately 5,700 individuals of European and African American ancestry in the NHLBI Exome Sequencing Project, indicating it is not a common benign variant in these populations. The S327T variant is a conservative amino acid substitution, which is not likely to impact secondary protein structure as these residues share similar properties. This substitution occurs at a position that is conserved across species. In silico analysis predicts this variant is probably damaging to the protein structure/function. Therefore, based on the currently available information, it is unclear whether this variant is a pathogenic mutation or a rare benign variant. The variant is found in EPILEPSY panel(s).

NM_002397.5(MEF2C):c.980G>C (p.Ser327Thr)

Gene: MEF2C (myocyte enhancer factor 2C; minus strand). Cytogenetic location: 5q14.3.
Variant type: single nucleotide variant.
Coding change: c.980G>C on transcript NM_002397.5 (MANE Select); coding-DNA position 980, G replaced by C.
Protein change: p.Ser327Thr; replaces serine 327 with threonine.
Molecular consequence: missense variant.
Genome position (GRCh38, 1-based): chr5:88,728,613, C>G on the plus strand (G>C on the coding strand, the complement: MEF2C is on the minus strand). VCF-style: chr5-88728613-C-G. GRCh37 (hg19) VCF-style: chr5-88024430-C-G.
Other names: p.S327T:AGT>ACT; c.950G>C, p.Ser317Thr (NM_001131005.2, NM_001364343.2, NM_001364352.2); c.1010G>C, p.Ser337Thr (NM_001193347.1, NM_001364338.2); c.812G>C, p.Ser271Thr (NM_001193348.1); c.836G>C, p.Ser279Thr (NM_001193349.3, NM_001364332.2, NM_001364344.2 and 2 more transcripts); c.980G>C, p.Ser327Thr (NM_001193350.2, NM_001363581.2, NM_001364329.2 and 9 more transcripts); c.956G>C, p.Ser319Thr (NM_001308002.3, NM_001364333.2, NM_001364339.2 and 6 more transcripts); c.602G>C, p.Ser201Thr (NM_001364353.2, NM_001364356.2); and 1 more; short protein forms S317T, S327T, S201T, S279T, S337T, S319T, S177T, S271T.
Identifiers: ClinVar variation 206127 (VCV000206127.19), dbSNP rs796052726, ClinGen allele CA315910.